The following is an entry in ClinVar:

ClinVar aggregate classification (germline): Uncertain significance (1 of 4 stars; one submission).

gnomAD v4.1: 1 of 1,606,400 alleles (0.000062%); highest among the groups gnomAD compares: Non-Finnish European, 0.000085%; no homozygotes.

Submission:

Labcorp Genetics (formerly Invitae), Labcorp
Classification: Uncertain significance. Last evaluated: 2024-04-03. Review status: criteria provided, single submitter. Criteria: Invitae Variant Classification Sherloc (09022015). Collection method: clinical testing. Allele origin: germline.
Comment: This sequence change replaces leucine, which is neutral and non-polar, with histidine, which is basic and polar, at codon 8 of the SHPK protein (p.Leu8His). This variant is present in population databases (no rsID available, gnomAD 0.007%). This variant has not been reported in the literature in individuals affected with SHPK-related conditions. An algorithm developed to predict the effect of missense changes on protein structure and function (PolyPhen-2) suggests that this variant is likely to be disruptive. In summary, the available evidence is currently insufficient to determine the role of this variant in disease. Therefore, it has been classified as a Variant of Uncertain Significance.

NM_013276.4(SHPK):c.23T>A (p.Leu8His)

Gene: SHPK (sedoheptulokinase; minus strand). Cytogenetic location: 17p13.2.
Variant type: single nucleotide variant.
Coding change: c.23T>A on transcript NM_013276.4 (MANE Select); coding-DNA position 23, T replaced by A.
Protein change: p.Leu8His; replaces leucine 8 with histidine.
Molecular consequence: missense variant.
Genome position (GRCh38, 1-based): chr17:3,636,197, A>T on the plus strand (T>A on the coding strand, the complement: SHPK is on the minus strand). VCF-style: chr17-3636197-A-T. GRCh37 (hg19) VCF-style: chr17-3539491-A-T.
Other names: short protein forms L8H.
Identifiers: ClinVar variation 3617966 (VCV003617966.2).